The following is an entry in ClinVar:

ClinVar aggregate classification (germline): Uncertain significance (1 of 4 stars; one submission).

gnomAD v4.1: 34 of 1,550,898 alleles (0.0022%); highest among the groups gnomAD compares: Middle Eastern, 0.017%; no homozygotes.

Submission:

GeneDx
Classification: Uncertain significance. Last evaluated: 2025-08-13. Review status: criteria provided, single submitter. Criteria: GeneDx Variant Classification Process June 2021. Collection method: clinical testing. Allele origin: germline. Affected: yes.
Comment: In silico analysis suggests that this missense variant does not alter protein structure/function; Has not been previously published as pathogenic or benign to our knowledge

NM_001384474.1(LOXHD1):c.2744G>A (p.Arg915Gln)

Gene: LOXHD1 (lipoxygenase homology PLAT domains 1; minus strand). Cytogenetic location: 18q21.1.
Variant type: single nucleotide variant.
Coding change: c.2744G>A on transcript NM_001384474.1 (MANE Select); coding-DNA position 2744, G replaced by A.
Protein change: p.Arg915Gln; replaces arginine 915 with glutamine.
Molecular consequence: missense variant.
Genome position (GRCh38, 1-based): chr18:46,560,400, C>T on the plus strand (G>A on the coding strand, the complement: LOXHD1 is on the minus strand). VCF-style: chr18-46560400-C-T. GRCh37 (hg19) VCF-style: chr18-44140363-C-T.
Other names: c.2744G>A, p.Arg915Gln (NM_144612.7); short protein forms R915Q.
Identifiers: ClinVar variation 4795778 (VCV004795778.1).